The following is an entry in ClinVar:

ClinVar aggregate classification (germline): Uncertain significance (1 of 4 stars; one submission).

Submission:

Women's Health and Genetics/Laboratory Corporation of America, LabCorp
Classification: Uncertain significance. Last evaluated: 2024-07-18. Review status: criteria provided, single submitter. Criteria: LabCorp Variant Classification Summary - May 2015. Collection method: clinical testing. Allele origin: germline.
Comment: Variant summary: CRB1 c.776G>A (p.Cys259Tyr) results in a non-conservative amino acid change located in the EGF-like domain (IPR000742) of the encoded protein sequence. Four of five in-silico tools predict a damaging effect of the variant on protein function. The variant was absent in 249438 control chromosomes (gnomAD). The available data on variant occurrences in the general population are insufficient to allow any conclusion about variant significance. c.776G>A has been reported in the literature in an individual affected with Retinal Dystrophy (Wang_2021). These data do not allow any conclusion about variant significance. To our knowledge, no experimental evidence demonstrating an impact on protein function has been reported. The following publication has been ascertained in the context of this evaluation (PMID: 33342761). No submitters have cited clinical-significance assessments for this variant to ClinVar. Based on the evidence outlined above, the variant was classified as uncertain significance.

Literature cited by the submitters: PubMed 33342761.

NM_201253.3(CRB1):c.776G>A (p.Cys259Tyr)

Gene: CRB1 (crumbs cell polarity complex component 1; plus strand). Cytogenetic location: 1q31.3.
Variant type: single nucleotide variant.
Coding change: c.776G>A on transcript NM_201253.3 (MANE Select); coding-DNA position 776, G replaced by A.
Protein change: p.Cys259Tyr; replaces cysteine 259 with tyrosine.
Molecular consequence: missense variant. On other transcripts: non-coding transcript variant (2), intron variant (1).
Genome position (GRCh38, 1-based): chr1:197,344,404, G>A. VCF-style: chr1-197344404-G-A. GRCh37 (hg19) VCF-style: chr1-197313534-G-A.
Other names: c.569G>A, p.Cys190Tyr (NM_001257965.2); c.776G>A, p.Cys259Tyr (NM_001257966.2); c.653-12427G>A (NM_001193640.2); short protein forms C190Y, C259Y.
Identifiers: ClinVar variation 3339460 (VCV003339460.1).